The following is an entry in ClinVar:

NM_001048174.2(MUTYH):c.776C>G (p.Ala259Gly)

Gene: MUTYH (mutY DNA glycosylase; minus strand). Cytogenetic location: 1p34.1.
Variant type: single nucleotide variant.
Coding change: c.776C>G on transcript NM_001048174.2 (MANE Select); coding-DNA position 776, C replaced by G.
Protein change: p.Ala259Gly; replaces alanine 259 with glycine.
Molecular consequence: missense variant. On other transcripts: non-coding transcript variant (2).
Genome position (GRCh38, 1-based): chr1:45,332,239, G>C on the plus strand (C>G on the coding strand, the complement: MUTYH is on the minus strand). VCF-style: chr1-45332239-G-C. GRCh37 (hg19) VCF-style: chr1-45797911-G-C.
Other names: c.776C>G, p.Ala259Gly (NM_001048171.2, NM_001048173.2, NM_001293195.2); c.779C>G, p.Ala260Gly (NM_001048172.2); c.860C>G, p.Ala287Gly (NM_001128425.2); c.821C>G, p.Ala274Gly (NM_001293190.2); c.809C>G, p.Ala270Gly (NM_001293191.2); c.500C>G, p.Ala167Gly (NM_001293192.2, NM_001293196.2); c.431C>G, p.Ala144Gly (NM_001350650.2, NM_001350651.2); c.851C>G, p.Ala284Gly (NM_012222.3); short protein forms A260G, A274G, A144G, A259G, A287G, A167G, A270G, A284G.
Identifiers: ClinVar variation 918415 (VCV000918415.8), dbSNP rs1557470940, ClinGen allele CA340134547.
Genomic context (GRCh38, chr1:45,332,239, plus strand): 5'-CGGCACAGGCTCTCCACAGGGCACTGGCTGCACAGTGGGCGCTGTGGGGTACACACTGTG[G>C]CCCCTAGCTCCATGGCTGCTTGGTTGAAATCTCCTGGCCGGGCTGGGTCCACCAGCTGCT-3'
Protein context (NP_001041639.1, residues 249-269): DFNQAAMELG[Ala259Gly]TVCTPQRPLC

ClinVar aggregate classification (germline): Uncertain significance. Review status: criteria provided, multiple submitters, no conflicts (2 of 4 stars). 3 submissions from 3 submitters: Uncertain significance (3). Last evaluated 2026-08-19.

Conditions:
Hereditary cancer-predisposing syndrome. Also called: Neoplastic Syndromes, Hereditary; Hereditary Cancer Syndrome; Tumor predisposition; Hereditary neoplastic syndrome. Identifiers: Orphanet 140162, MedGen C0027672, MeSH D009386, MONDO:0015356.
Familial adenomatous polyposis 2. Also called: FAP type 2; MUTYH-associated polyposis; MUTYH-related attenuated familial adenomatous polyposis; COLORECTAL ADENOMATOUS POLYPOSIS, AUTOSOMAL RECESSIVE; ADENOMAS, MULTIPLE COLORECTAL, AUTOSOMAL RECESSIVE; Adenomas, multiple colorectal. Identifiers: Orphanet 220460, Orphanet 247798, MedGen C3272841, MONDO:0012041, OMIM 608456.

Allele frequency attached by ClinVar (database versions not stated): TOPMed below 0.00001; gnomAD exomes 0.00001.

Submissions (3):

Ambry Genetics
Classification: Uncertain significance for Hereditary cancer-predisposing syndrome. Last evaluated: 2026-08-19. Review status: criteria provided, single submitter. Criteria: Ambry Variant Classification Scheme 2023. Collection method: clinical testing. Allele origin: germline.
Comment: The p.A287G variant (also known as c.860C>G), located in coding exon 10 of the MUTYH gene, results from a C to G substitution at nucleotide position 860. The alanine at codon 287 is replaced by glycine, an amino acid with similar properties. In a massively parallel cell-based functional assay testing 7,8-dihydro-8-oxoguanine:adenine (8OG:A) repair activity, a byproduct of oxidative damage, this variant was reported to be functional (Hemker SL et al. Am J Hum Genet, 2025 Sep;112:2010-2026). This amino acid position is conserved. In addition, this alteration is predicted to be deleterious by in silico analysis. Based on the available evidence, the clinical significance of this variant remains unclear.

Baylor Genetics
Classification: Uncertain significance for Familial adenomatous polyposis 2. Last evaluated: 2023-12-08. Review status: criteria provided, single submitter. Criteria: ACMG Guidelines, 2015. Collection method: clinical testing. Allele origin: unknown.

Color Diagnostics, LLC DBA Color Health
Classification: Uncertain significance for Hereditary cancer-predisposing syndrome. Last evaluated: 2023-12-05. Review status: criteria provided, single submitter. Criteria: ACMG Guidelines, 2015. Collection method: clinical testing. Allele origin: germline.
Comment: This missense variant replaces alanine with glycine at codon 287 of the MUTYH protein. Computational prediction tools and conservation analyses suggest that this variant may have deleterious impact on the protein function. Computational splicing tools suggest that this variant may not impact RNA splicing. To our knowledge, functional assays have not been performed for this variant nor has this variant been reported in individuals affected with hereditary cancer in the literature. This variant has been identified in 2/250896 chromosomes in the general population by the Genome Aggregation Database (gnomAD). Available evidence is insufficient to determine the role of this variant in disease conclusively. Therefore, this variant is classified as a Variant of Uncertain Significance.

Literature cited by the submitters: PubMed 40738107 (cited by Ambry Genetics).